The following is an entry in ClinVar:

ClinVar aggregate classification (germline): Conflicting classifications of pathogenicity. Review status: criteria provided, conflicting classifications (1 of 4 stars). 7 submissions from 7 submitters: Uncertain significance (6); Likely benign (1). Last evaluated 2025-09-10.

Conditions:
Hereditary breast ovarian cancer syndrome. Also called: Hereditary breast and ovarian cancer; Hereditary breast and ovarian cancer syndrome (HBOC); Breast and ovarian cancer; BRCA1- and BRCA2-Associated Hereditary Breast and Ovarian Cancer; Hereditary breast and/or ovarian cancer syndrome; Hereditary breast and ovarian cancer syndrome. Identifiers: Orphanet 145, MedGen C0677776, MeSH D061325, MONDO:0003582. Disease mechanism: loss of function.
BRCA2-related cancer predisposition. Identifiers: MedGen CN377758, MONDO:0700269.
Hereditary cancer-predisposing syndrome. Also called: Neoplastic Syndromes, Hereditary; Hereditary neoplastic syndrome; Tumor predisposition; Hereditary Cancer Syndrome. Identifiers: Orphanet 140162, MedGen C0027672, MeSH D009386, MONDO:0015356.

gnomAD v4.1: 2 of 1,593,346 alleles (0.00013%); highest among the groups gnomAD compares: African/African-American, 0.0027%; no homozygotes.

Submissions (7):

Women's Health and Genetics/Laboratory Corporation of America, LabCorp
Classification: Uncertain significance. Last evaluated: 2025-09-10. Review status: criteria provided, single submitter. Criteria: LabCorp Variant Classification Summary - May 2015. Collection method: clinical testing. Allele origin: germline.

Labcorp Genetics (formerly Invitae), Labcorp
Classification: Uncertain significance for Hereditary breast ovarian cancer syndrome. Last evaluated: 2025-04-23. Review status: criteria provided, single submitter. Criteria: Invitae Variant Classification Sherloc (09022015). Collection method: clinical testing. Allele origin: germline.
Comment: This sequence change replaces lysine, which is basic and polar, with glutamic acid, which is acidic and polar, at codon 2150 of the BRCA2 protein (p.Lys2150Glu). This variant is not present in population databases (gnomAD no frequency). This missense change has been observed in individual(s) with breast cancer (PMID: 17100994). ClinVar contains an entry for this variant (Variation ID: 619644). Invitae Evidence Modeling of protein sequence and biophysical properties (such as structural, functional, and spatial information, amino acid conservation, physicochemical variation, residue mobility, and thermodynamic stability) indicates that this missense variant is not expected to disrupt BRCA2 protein function with a negative predictive value of 95%. In summary, the available evidence is currently insufficient to determine the role of this variant in disease. Therefore, it has been classified as a Variant of Uncertain Significance.

All of Us Research Program, National Institutes of Health
Classification: Uncertain significance for BRCA2-related cancer predisposition. Last evaluated: 2024-03-24. Review status: criteria provided, single submitter. Criteria: ACMG Guidelines, 2015. Collection method: clinical testing. Allele origin: germline. Inheritance: Autosomal dominant inheritance. Observed: 2 variant alleles, 2 heterozygotes.
Comment: This missense variant replaces lysine with glutamic acid at codon 2150 of the BRCA2 protein. Computational prediction suggests that this variant may not impact protein structure and function (internally defined REVEL score threshold <= 0.5, PMID: 27666373). To our knowledge, functional studies have not been reported for this variant. This variant has not been reported in individuals affected with hereditary cancer in the literature. This variant has not been identified in the general population by the Genome Aggregation Database (gnomAD). The available evidence is insufficient to determine the role of this variant in disease conclusively. Therefore, this variant is classified as a Variant of Uncertain Significance.

This study involves interpretation of variants in research participants for the purpose of population health screening. Participant phenotype was not available at the time of variant classification. Additional details can be found in publication PMID: 35346344, PMCID: PMC8962531

Color Diagnostics, LLC DBA Color Health
Classification: Uncertain significance for Hereditary cancer-predisposing syndrome. Last evaluated: 2024-01-31. Review status: criteria provided, single submitter. Criteria: ACMG Guidelines, 2015. Collection method: clinical testing. Allele origin: germline.
Comment: This missense variant replaces lysine with glutamic acid at codon 2150 of the BRCA2 protein. Computational prediction suggests that this variant may not impact protein structure and function. To our knowledge, functional studies have not been reported for this variant. This variant has not been reported in individuals affected with BRCA2-related cancer in the literature. This variant has not been identified in the general population by the Genome Aggregation Database (gnomAD). The available evidence is insufficient to determine the role of this variant in disease conclusively. Therefore, this variant is classified as a Variant of Uncertain Significance.

Ambry Genetics
Classification: Uncertain significance for Hereditary cancer-predisposing syndrome. Last evaluated: 2023-07-29. Review status: criteria provided, single submitter. Criteria: Ambry Variant Classification Scheme 2023. Collection method: clinical testing. Allele origin: germline.
Comment: The p.K2150E variant (also known as c.6448A>G), located in coding exon 10 of the BRCA2 gene, results from an A to G substitution at nucleotide position 6448. The lysine at codon 2150 is replaced by glutamic acid, an amino acid with similar properties. This amino acid position is conserved. In addition, this alteration is predicted to be tolerated by in silico analysis. Since supporting evidence is limited at this time, the clinical significance of this alteration remains unclear.

University of Washington Department of Laboratory Medicine, University of Washington
Classification: Likely benign for Hereditary cancer-predisposing syndrome. Last evaluated: 2023-03-23. Review status: criteria provided, single submitter. Criteria: Dines et al. (Genet Med. 2020). Collection method: curation. Allele origin: germline.
Comment: Missense variant in a coldspot region where missense variants are very unlikely to be pathogenic (PMID:31911673).

BRCA2 exon 11 coldspot. Reclassification based on statistical prior probability.

Quest Diagnostics Nichols Institute San Juan Capistrano
Classification: Uncertain significance. Last evaluated: 2018-07-28. Review status: criteria provided, single submitter. Criteria: Quest Diagnostics criteria. Collection method: clinical testing. Allele origin: germline.

Literature cited by the submitters: PubMed 17100994 (cited by Labcorp Genetics (formerly Invitae), Labcorp).

NM_000059.4(BRCA2):c.6448A>G (p.Lys2150Glu)

Gene: BRCA2 (BRCA2 DNA repair associated; plus strand). Cytogenetic location: 13q13.1.
Variant type: single nucleotide variant.
Coding change: c.6448A>G on transcript NM_000059.4 (MANE Select); coding-DNA position 6448, A replaced by G.
Protein change: p.Lys2150Glu; replaces lysine 2150 with glutamic acid.
Molecular consequence: missense variant.
Genome position (GRCh38, 1-based): chr13:32,340,803, A>G. VCF-style: chr13-32340803-A-G. GRCh37 (hg19) VCF-style: chr13-32914940-A-G.
Other names: short protein forms K2150E.
Identifiers: ClinVar variation 619644 (VCV000619644.21), dbSNP rs1403648108, ClinGen allele CA387789325.